The following is an entry in ClinVar:

ClinVar aggregate classification (germline): Uncertain significance. Review status: criteria provided, multiple submitters, no conflicts (2 of 4 stars). 2 submissions from 2 submitters: Uncertain significance (2). Last evaluated 2026-03-30.

Conditions:
RASopathy. Also called: rasopathies; Noonan spectrum disorder. Identifiers: Orphanet 536391, MedGen C5555857, MONDO:0021060.
Cardiovascular phenotype. Identifiers: MedGen CN230736.

Submissions (2):

Ambry Genetics
Classification: Uncertain significance for Cardiovascular phenotype. Last evaluated: 2026-03-30. Review status: criteria provided, single submitter. Criteria: Ambry Variant Classification Scheme 2023. Collection method: clinical testing. Allele origin: germline.
Comment: The p.K7M variant (also known as c.20A>T), located in coding exon 1 of the CBL gene, results from an A to T substitution at nucleotide position 20. The lysine at codon 7 is replaced by methionine, an amino acid with similar properties. This amino acid position is conserved. In addition, the in silico prediction for this alteration is inconclusive. Based on the available evidence, the clinical significance of this variant remains unclear.

Labcorp Genetics (formerly Invitae), Labcorp
Classification: Uncertain significance for RASopathy. Last evaluated: 2025-03-05. Review status: criteria provided, single submitter. Criteria: Invitae Variant Classification Sherloc (09022015). Collection method: clinical testing. Allele origin: germline.
Comment: This sequence change replaces lysine, which is basic and polar, with methionine, which is neutral and non-polar, at codon 7 of the CBL protein (p.Lys7Met). This variant is not present in population databases (gnomAD no frequency). This variant has not been reported in the literature in individuals affected with CBL-related conditions. Invitae Evidence Modeling of protein sequence and biophysical properties (such as structural, functional, and spatial information, amino acid conservation, physicochemical variation, residue mobility, and thermodynamic stability) indicates that this missense variant is not expected to disrupt CBL protein function with a negative predictive value of 95%. In summary, the available evidence is currently insufficient to determine the role of this variant in disease. Therefore, it has been classified as a Variant of Uncertain Significance.

NM_005188.4(CBL):c.20A>T (p.Lys7Met)

Genes: CBL (Cbl proto-oncogene; plus strand), LOC130006895 (ATAC-STARR-seq lymphoblastoid silent region 3975; plus strand). Cytogenetic location: 11q23.3.
Variant type: single nucleotide variant.
Coding change: c.20A>T on transcript NM_005188.4 (MANE Select); coding-DNA position 20, A replaced by T.
Protein change: p.Lys7Met; replaces lysine 7 with methionine.
Molecular consequence: missense variant.
Genome position (GRCh38, 1-based): chr11:119,206,437, A>T. VCF-style: chr11-119206437-A-T. GRCh37 (hg19) VCF-style: chr11-119077147-A-T.
Other names: c.20A>T (NM_005188.2); short protein forms K7M.
Identifiers: ClinVar variation 4738126 (VCV004738126.2).